The following is an entry in ClinVar:

NM_001134673.4(NFIA):c.1255-8C>G

Gene: NFIA (nuclear factor I A; plus strand). Cytogenetic location: 1p31.3.
Variant type: single nucleotide variant.
Coding change: c.1255-8C>G on transcript NM_001134673.4 (MANE Select); 8 bases into the intron before coding-DNA position 1255, C replaced by G.
Molecular consequence: intron variant.
Genome position (GRCh38, 1-based): chr1:61,406,554, C>G. VCF-style: chr1-61406554-C-G. GRCh37 (hg19) VCF-style: chr1-61872226-C-G.
Other names: c.1231-8C>G (NM_001145511.2); c.1390-8C>G (NM_001145512.2); c.1255-8C>G (NM_005595.5).
Identifiers: ClinVar variation 730208 (VCV000730208.12), dbSNP rs199806380, ClinGen allele CA881239.
Genomic context (GRCh38, chr1:61,406,554, plus strand): 5'-AGCTAATGGTTGCTGTCTCTTTCTTCTTTTTCTTGTACGTGTGTTTTCTGCCCCCCCCCC[C>G]CCCACAGCCCAATGGGAGCAGCCAAGGCAAGGTGCACAACCCATTCCTTCCCACCCCAAT-3'

ClinVar aggregate classification (germline): Likely benign. Review status: criteria provided, multiple submitters, no conflicts (2 of 4 stars). 3 submissions from 3 submitters: Likely benign (2). 1 of the submissions does not count toward it. Last evaluated 2022-02-13.

Conditions:
NFIA-Related Disorder. Also called: NFIA-related condition; NFIA-related disorders. Identifiers: MedGen CN381099.

gnomAD v4.1: 1,051 of 1,380,706 alleles (0.076%); highest among the groups gnomAD compares: East Asian, 2.8%; 54 homozygotes.

Submissions (4):

GeneDx
Classification: Likely benign. Last evaluated: 2022-02-13. Review status: criteria provided, single submitter. Criteria: GeneDx Variant Classification Process June 2021. Collection method: clinical testing. Allele origin: germline. Affected: yes.
Comment: See Variant Classification Assertion Criteria.

Labcorp Genetics (formerly Invitae), Labcorp
Classification: Likely benign. Last evaluated: 2021-09-15. Review status: criteria provided, single submitter. Criteria: Invitae Variant Classification Sherloc (09022015). Collection method: clinical testing. Allele origin: germline.

PreventionGenetics, part of Exact Sciences
Classification: Benign for NFIA-related condition. Last evaluated: 2019-02-22. Review status: no assertion criteria provided. Collection method: clinical testing. Allele origin: germline. Not counted in ClinVar's aggregate classification.
Comment: This variant is classified as benign based on ACMG/AMP sequence variant interpretation guidelines (Richards et al. 2015 PMID: 25741868, with internal and published modifications).

Dr. Peter K. Rogan Lab, Western University
No classification provided (evidence only). Condition: Gastric cancer. Review status: no classification provided. Collection method: in vitro. Allele origin: not applicable. Functional consequence: retained intron. Not counted in ClinVar's aggregate classification.